The following is an entry in ClinVar:

ClinVar aggregate classification (germline): Uncertain significance. Review status: criteria provided, multiple submitters, no conflicts (2 of 4 stars). 3 submissions from 3 submitters: Uncertain significance (3). Last evaluated 2026-05-06.

Conditions:
Ehlers-Danlos syndrome, classic type, 1 (EDSCL1). Also called: EHLERS-DANLOS SYNDROME, GRAVIS TYPE; EHLERS-DANLOS SYNDROME, SEVERE CLASSIC TYPE; Ehlers-Danlos Syndrome, Classic Type, COL5A1-Related; EDS I; Ehlers-Danlos syndrome, type 1. Identifiers: MedGen C0268335, MONDO:0019567, OMIM 130000.

Allele frequency attached by ClinVar (database versions not stated): gnomAD 0.00001.
gnomAD v4.1: 1 of 1,602,402 alleles (0.000062%); highest among the groups gnomAD compares: Non-Finnish European, 0.000085%; no homozygotes.

Submissions (3):

Women's Health and Genetics/Laboratory Corporation of America, LabCorp
Classification: Uncertain significance. Last evaluated: 2026-05-06. Review status: criteria provided, single submitter. Criteria: LabCorp Variant Classification Summary - May 2015. Collection method: clinical testing. Allele origin: germline.
Comment: Variant summary: COL5A1 c.2464A>G (p.Met822Val) results in a conservative amino acid change in the encoded protein sequence. Algorithms developed to predict the effect of missense changes on protein structure and function are either unavailable or do not agree on the potential impact of this missense change. The variant was absent in 251322 control chromosomes. The available data on variant occurrences in the general population are insufficient to allow any conclusion about variant significance. To our knowledge, no occurrence of c.2464A>G in individuals affected with COL5A1-related conditions and no experimental evidence demonstrating its impact on protein function have been reported. ClinVar contains an entry for this variant (Variation ID: 409121). Based on the evidence outlined above, the variant was classified as uncertain significance.

Labcorp Genetics (formerly Invitae), Labcorp
Classification: Uncertain significance for Ehlers-Danlos syndrome, classic type, 1. Last evaluated: 2025-10-18. Review status: criteria provided, single submitter. Criteria: Invitae Variant Classification Sherloc (09022015). Collection method: clinical testing. Allele origin: germline.
Comment: This sequence change replaces methionine, which is neutral and non-polar, with valine, which is neutral and non-polar, at codon 822 of the COL5A1 protein (p.Met822Val). This variant is not present in population databases (gnomAD no frequency). This variant has not been reported in the literature in individuals affected with COL5A1-related conditions. ClinVar contains an entry for this variant (Variation ID: 409121). Invitae Evidence Modeling of protein sequence and biophysical properties (such as structural, functional, and spatial information, amino acid conservation, physicochemical variation, residue mobility, and thermodynamic stability) indicates that this missense variant is not expected to disrupt COL5A1 protein function with a negative predictive value of 95%. In summary, the available evidence is currently insufficient to determine the role of this variant in disease. Therefore, it has been classified as a Variant of Uncertain Significance.

GeneDx
Classification: Uncertain significance. Last evaluated: 2024-09-30. Review status: criteria provided, single submitter. Criteria: GeneDx Variant Classification Process June 2021. Collection method: clinical testing. Allele origin: germline. Affected: yes.
Comment: Has not been previously published as pathogenic or benign to our knowledge; Not observed at significant frequency in large population cohorts (gnomAD); In silico analysis indicates that this missense variant does not alter protein structure/function; Occurs in the triple helical domain at the Y position in the canonical Gly-X-Y repeat; although this variant may have an effect on normal protein folding and function, missense substitution at the Y position is not a common mechanism of disease (PMID: 22696272; HGMD); This variant is associated with the following publications: (PMID: 22696272)

NM_000093.5(COL5A1):c.2464A>G (p.Met822Val)

Gene: COL5A1 (collagen type V alpha 1 chain; plus strand). Cytogenetic location: 9q34.3.
Variant type: single nucleotide variant.
Coding change: c.2464A>G on transcript NM_000093.5 (MANE Select); coding-DNA position 2464, A replaced by G.
Protein change: p.Met822Val; replaces methionine 822 with valine.
Molecular consequence: missense variant.
Genome position (GRCh38, 1-based): chr9:134,782,700, A>G. VCF-style: chr9-134782700-A-G. GRCh37 (hg19) VCF-style: chr9-137674546-A-G.
Other names: c.2464A>G, p.Met822Val (NM_001278074.1); c.2464A>G (NM_000093.3); short protein forms M822V.
Identifiers: ClinVar variation 409121 (VCV000409121.13), dbSNP rs1060502262, ClinGen allele CA16612668.